The following is an entry in ClinVar:

ClinVar aggregate classification (germline): Uncertain significance. Review status: criteria provided, multiple submitters, no conflicts (2 of 4 stars). 2 submissions from 2 submitters: Uncertain significance (2). Last evaluated 2025-12-23.

Allele frequency attached by ClinVar (database versions not stated): TOPMed 0.00005; gnomAD 0.00007; gnomAD exomes 0.00008.
gnomAD v4.1: 120 of 1,442,496 alleles (0.0083%); highest among the groups gnomAD compares: Non-Finnish European, 0.01%; no homozygotes.

Submissions (2):

Labcorp Genetics (formerly Invitae), Labcorp
Classification: Uncertain significance. Last evaluated: 2025-12-23. Review status: criteria provided, single submitter. Criteria: Invitae Variant Classification Sherloc (09022015). Collection method: clinical testing. Allele origin: germline.
Comment: This sequence change replaces glycine, which is neutral and non-polar, with valine, which is neutral and non-polar, at codon 86 of the ARIH1 protein (p.Gly86Val). The frequency data for this variant in the population databases is considered unreliable, as metrics indicate poor data quality at this position in the gnomAD database. This variant has not been reported in the literature in individuals affected with ARIH1-related conditions. ClinVar contains an entry for this variant (Variation ID: 2147794). Experimental studies and prediction algorithms are not available or were not evaluated, and the functional significance of this variant is currently unknown. In summary, the available evidence is currently insufficient to determine the role of this variant in disease. Therefore, it has been classified as a Variant of Uncertain Significance.

Ambry Genetics
Classification: Uncertain significance. Last evaluated: 2025-03-16. Review status: criteria provided, single submitter. Criteria: Ambry Variant Classification Scheme 2023. Collection method: clinical testing. Allele origin: germline.

NM_005744.5(ARIH1):c.257G>T (p.Gly86Val)

Gene: ARIH1 (ariadne RBR E3 ubiquitin protein ligase 1; plus strand). Cytogenetic location: 15q24.1.
Variant type: single nucleotide variant.
Coding change: c.257G>T on transcript NM_005744.5 (MANE Select); coding-DNA position 257, G replaced by T.
Protein change: p.Gly86Val; replaces glycine 86 with valine.
Molecular consequence: missense variant.
Genome position (GRCh38, 1-based): chr15:72,474,896, G>T. VCF-style: chr15-72474896-G-T. GRCh37 (hg19) VCF-style: chr15-72767237-G-T.
Other names: c.257G>T (NM_005744.3); short protein forms G86V.
Identifiers: ClinVar variation 2147794 (VCV002147794.5), dbSNP rs967532979, ClinGen allele CA273260105.
Genomic context (GRCh38, chr15:72,474,896, plus strand): 5'-CGGGCGGTGGCGGCGGCAGCGCTCTGGGGCCCGGCGGTGGCGGCGGCGGCGGCGGCGGCG[G>T]TGGTGGTGGCGGGCCGGGGCATGAGCAGGAGGAGGATTACCGCTACGAGGTGCTCACGGC-3'
Protein context (NP_005735.2, residues 76-96): PGGGGGGGGG[Gly86Val]GGGGPGHEQE